The following is an entry in ClinVar:

ClinVar aggregate classification (germline): Uncertain significance (1 of 4 stars; one submission).

Conditions:
Peroxisome biogenesis disorder, complementation group K (CGK). Identifiers: MedGen C1866257, MONDO:0800365.

Submission:

Labcorp Genetics (formerly Invitae), Labcorp
Classification: Uncertain significance for Peroxisome biogenesis disorder, complementation group K. Last evaluated: 2021-03-24. Review status: criteria provided, single submitter. Criteria: Invitae Variant Classification Sherloc (09022015). Collection method: clinical testing. Allele origin: germline.
Comment: This variant results in a copy number gain of the genomic region encompassing exon(s) 1-3 of the PEX14 gene. This region includes the initiator codon of the gene. The 5' end of this event is unknown as it extends beyond the assayed region for this gene and therefore may encompass additional genes. The 3' boundary is likely confined to intron 3 of the PEX14 gene. As the precise location of this event is unknown, it may be in tandem or it may be located elsewhere in the genome. This variant has not been reported in the literature in individuals with PEX14-related conditions. Experimental studies and prediction algorithms are not available or were not evaluated, and the functional significance of this variant is currently unknown. In summary, the available evidence is currently insufficient to determine the role of this variant in disease. Therefore, it has been classified as a Variant of Uncertain Significance.

NC_000001.10:g.(?_10535024)_(10596374_?)dup

Gene: PEX14 (peroxisomal biogenesis factor 14; plus strand). Cytogenetic location: 1p36.22.
Variant type: Duplication.
Identifiers: ClinVar variation 1411239 (VCV001411239.3).